The following is an entry in ClinVar:

NM_000260.4(MYO7A):c.3297C>T (p.Pro1099=)

Gene: MYO7A (myosin VIIA; plus strand). Cytogenetic location: 11q13.5.
Variant type: single nucleotide variant.
Coding change: c.3297C>T on transcript NM_000260.4 (MANE Select); coding-DNA position 3297, C replaced by T.
Protein change: p.Pro1099=; no amino-acid change (proline 1099 retained).
Molecular consequence: synonymous variant.
Genome position (GRCh38, 1-based): chr11:77,183,079, C>T. VCF-style: chr11-77183079-C-T. GRCh37 (hg19) VCF-style: chr11-76894124-C-T.
Other names: c.3297C>T, p.Pro1099= (NM_001127180.2); c.3264C>T, p.Pro1088= (NM_001369365.1).
Identifiers: ClinVar variation 285518 (VCV000285518.54), dbSNP rs367668576, ClinGen allele CA6198027.
Genomic context (GRCh38, chr11:77,183,079, plus strand): 5'-CATTGCTTTCTGCTCAGCCACTTGACCCTGATCCCTGCTGGTCCTGCAGGCCCAGCTCCC[C>T]GAGGGCCAGAAGAAGAGCAGTGTGAGGCACAAGCTGGTGCATTTGACTCTGAAAAAGAAG-3'
Protein context (NP_000251.3, residues 1089-1109): ALQGEGEAQL[Pro1099=]EGQKKSSVRH

ClinVar aggregate classification (germline): Conflicting classifications of pathogenicity. Review status: criteria provided, conflicting classifications (1 of 4 stars). 10 submissions from 8 submitters: Uncertain significance (4); Likely benign (5). 1 of the submissions does not count toward it. Last evaluated 2025-11-15.

Conditions:
Usher syndrome type 1 (USH1). Also called: RETINITIS PIGMENTOSA AND CONGENITAL DEAFNESS. Identifiers: Orphanet 231169, Orphanet 886, MedGen C1568247, MONDO:0010168, OMIM 276900.
Usher syndrome type 1B (USH1B). Also called: Usher syndrome type IB. Identifiers: MedGen C1848638, MONDO:0700087.
Autosomal recessive nonsyndromic hearing loss 2. Also called: DEAFNESS, AUTOSOMAL RECESSIVE 2; NEUROSENSORY NONSYNDROMIC RECESSIVE DEAFNESS 2. Identifiers: Orphanet 90636, MedGen C1838701, MONDO:0010807, OMIM 600060.
Autosomal dominant nonsyndromic hearing loss 11. Identifiers: Orphanet 90635, MedGen C1832475, MONDO:0011032, OMIM 601317.

Allele frequency attached by ClinVar (database versions not stated): TOPMed 0.00009; gnomAD 0.00011 and 0.00012; 1000 Genomes Project 30x 0.00016; 1000 Genomes Project 0.00020; ESP Exome Variant Server 0.00026; ExAC 0.00030.
gnomAD v4.1: 143 of 1,551,378 alleles (0.0092%); highest among the groups gnomAD compares: Middle Eastern, 0.084%; 3 homozygotes.

Submissions (10):

Labcorp Genetics (formerly Invitae), Labcorp
Classification: Likely benign. Last evaluated: 2025-11-15. Review status: criteria provided, single submitter. Criteria: Invitae Variant Classification Sherloc (09022015). Collection method: clinical testing. Allele origin: germline.

Blueprint Genetics
Classification: Likely benign. Last evaluated: 2024-11-06. Review status: criteria provided, single submitter. Criteria: ACMG Guidelines, 2015. Collection method: clinical testing. Allele origin: germline.

CeGaT Center for Human Genetics Tuebingen
Classification: Likely benign. Last evaluated: 2023-05-01. Review status: criteria provided, single submitter. Criteria: CeGaT Center For Human Genetics Tuebingen Variant Classification Criteria Version 2. Collection method: clinical testing. Allele origin: germline. Affected: yes. Observed: 1 variant allele.
Comment: MYO7A: BP4, BP7

Genome-Nilou Lab
Classification: Likely benign for Usher syndrome type 1. Last evaluated: 2021-05-18. Review status: criteria provided, single submitter. Criteria: ACMG Guidelines, 2015. Collection method: clinical testing. Allele origin: germline. Affected: no.

Laboratory for Molecular Medicine, Mass General Brigham Personalized Medicine
Classification: Likely benign. Last evaluated: 2018-02-20. Review status: criteria provided, single submitter. Criteria: LMM Criteria. Collection method: clinical testing. Allele origin: germline. Observed: 1 variant allele.
Comment: p.Pro1099Pro in Exon 26 of MYO7A: This variant is not expected to have clinical significance because it does not alter an amino acid residue, is not located wit hin the splice consensus sequence, and has been identified in 9 /22826 of South Asian chromosomes by the Genome Aggregation Database (gnomAD; dbSNP rs367668576).

Illumina Laboratory Services, Illumina
Classification: Uncertain significance for Autosomal dominant nonsyndromic hearing loss 11. Last evaluated: 2018-01-13. Review status: criteria provided, single submitter. Criteria: ICSL Variant Classification Criteria 13 December 2019. Collection method: clinical testing. Allele origin: germline.

Illumina Laboratory Services, Illumina
Classification: Uncertain significance for Autosomal recessive nonsyndromic hearing loss 2. Last evaluated: 2018-01-13. Review status: criteria provided, single submitter. Criteria: ICSL Variant Classification Criteria 13 December 2019. Collection method: clinical testing. Allele origin: germline.

Illumina Laboratory Services, Illumina
Classification: Uncertain significance for Usher syndrome type 1. Last evaluated: 2018-01-13. Review status: criteria provided, single submitter. Criteria: ICSL Variant Classification Criteria 13 December 2019. Collection method: clinical testing. Allele origin: germline.

Eurofins Ntd Llc (ga)
Classification: Uncertain significance. Last evaluated: 2016-01-22. Review status: criteria provided, single submitter. Criteria: EGL Classification Definitions 2015. Collection method: clinical testing. Allele origin: germline. Observed: 1 variant allele, 1 heterozygote.

Natera, Inc.
Classification: Uncertain significance for Usher syndrome type 1B. Last evaluated: 2020-01-24. Review status: no assertion criteria provided. Collection method: clinical testing. Allele origin: germline. Not counted in ClinVar's aggregate classification.